The following is an entry in ClinVar:

NM_004977.3(KCNC3):c.1768G>A (p.Gly590Ser)

Gene: KCNC3 (potassium voltage-gated channel subfamily C member 3; minus strand). Cytogenetic location: 19q13.33.
Variant type: single nucleotide variant.
Coding change: c.1768G>A on transcript NM_004977.3 (MANE Select); coding-DNA position 1768, G replaced by A.
Protein change: p.Gly590Ser; replaces glycine 590 with serine.
Molecular consequence: missense variant.
Genome position (GRCh38, 1-based): chr19:50,323,185, C>T on the plus strand (G>A on the coding strand, the complement: KCNC3 is on the minus strand). VCF-style: chr19-50323185-C-T. GRCh37 (hg19) VCF-style: chr19-50826442-C-T.
Other names: c.1540G>A, p.Gly514Ser (NM_001372305.1); short protein forms G514S, G590S.
Identifiers: ClinVar variation 916249 (VCV000916249.44), dbSNP rs1167185763, ClinGen allele CA406950038.

ClinVar aggregate classification (germline): Uncertain significance. Review status: criteria provided, multiple submitters, no conflicts (2 of 4 stars). 2 submissions from 2 submitters: Uncertain significance (2). Last evaluated 2021-02-17.

Conditions:
Tip-toe gait. Also called: Toe walking. Identifiers: MedGen C0427144, HP:0030051.

Allele frequency attached by ClinVar (database versions not stated): gnomAD 0.00001; TOPMed 0.00001; gnomAD exomes 0.00002 and 0.00004.
gnomAD v4.1: 20 of 1,325,752 alleles (0.0015%); highest among the groups gnomAD compares: East Asian, 0.005%; no homozygotes.

Submissions (2):

Practice for Gait Abnormalities, David Pomarino, Competency Network Toe Walking C/o Practice Pomarino
Classification: Uncertain significance for Tip-toe gait. Last evaluated: 2021-02-17. Review status: criteria provided, single submitter. Criteria: ACMG Guidelines, 2015. Collection method: clinical testing. Allele origin: unknown. Affected: yes. Observed: 1 variant allele, 1 heterozygote.
Comment: Hereditary motor sensory neuropathy (HMSN), also known as Charcot-Marie-Tooth Disease (CMT), is the most commonly inherited peripheral polyneuropathy. It constitutes a group of inherited, progressive, motor and sensory peripheral nerve disorders with properties of demyelination, axonal degeneration, or both. It is classified by clinical characteristics, modes of inheritance, electrophysiologic features, metabolic defects, and specific gene markers. Our patients all walk on tiptoe, so they show similar symptoms. When we genetically test them with our toe walking panel, we find that around 90 per cent of them have a genetic variant that explains their toe walking. These can be assigned, for example, to the area of myopathies (such as variants of the COL6A3 gene), the area of hereditary neuropathies (such as variants of the KMT2C gene) or the area of metabolic diseases (such as variants of the PYGM gene). In a smaller group of patients with almost identical symptoms, no abnormality is found in the genes of our panel, but spastic paraplegia can be detected. In another small group of our toe walkers, no abnormalities can be detected in the genes analysed in our toe walking panel, nor do they suffer from spastic paraplegia, as is also the case with healthy children. In contrast to these, however, they show a tiptoe gait. These patients suffer from infantile cerebral palsy, in which toe walking can also be observed.

CeGaT Center for Human Genetics Tuebingen
Classification: Uncertain significance. Last evaluated: 2020-03-01. Review status: criteria provided, single submitter. Criteria: CeGaT Center For Human Genetics Tuebingen Variant Classification Criteria Version 2. Collection method: clinical testing. Allele origin: germline. Affected: yes. Observed: 1 variant allele.

Literature cited by the submitters: PubMed 35169784 (cited by Practice for Gait Abnormalities, David Pomarino, Competency Network Toe Walking C/o Practice Pomarino); PubMed 37091313 (cited by Practice for Gait Abnormalities, David Pomarino, Competency Network Toe Walking C/o Practice Pomarino).